The following is an entry in ClinVar:

NM_000744.7(CHRNA4):c.105C>T (p.His35=)

Gene: CHRNA4 (cholinergic receptor nicotinic alpha 4 subunit; minus strand). Cytogenetic location: 20q13.33.
Variant type: single nucleotide variant.
Coding change: c.105C>T on transcript NM_000744.7 (MANE Select); coding-DNA position 105, C replaced by T.
Protein change: p.His35=; no amino-acid change (histidine 35 retained).
Molecular consequence: synonymous variant. On other transcripts: 5 prime UTR variant (1), non-coding transcript variant (1).
Genome position (GRCh38, 1-based): chr20:63,359,671, G>A on the plus strand (C>T on the coding strand, the complement: CHRNA4 is on the minus strand). VCF-style: chr20-63359671-G-A. GRCh37 (hg19) VCF-style: chr20-61991023-G-A.
Other names: c.-442C>T (NM_001256573.2).
Identifiers: ClinVar variation 384137 (VCV000384137.10), dbSNP rs199541666, ClinGen allele CA9957971.

ClinVar aggregate classification (germline): Likely benign. Review status: criteria provided, multiple submitters, no conflicts (2 of 4 stars). 3 submissions from 3 submitters: Likely benign (3). Last evaluated 2022-07-26.

Conditions:
Familial sleep-related hypermotor epilepsy. Also called: Autosomal Dominant Sleep-Related Hypermotor (Hyperkinetic) Epilepsy. Identifiers: Orphanet 98784, MedGen C3696898, MONDO:0000030.
Inborn genetic diseases. Identifiers: MedGen C0950123, MeSH D030342.

Allele frequency attached by ClinVar (database versions not stated): gnomAD 0.00001; ExAC 0.00002; gnomAD exomes 0.00001.
gnomAD v4.1: 33 of 1,611,596 alleles (0.002%); highest among the groups gnomAD compares: African/African-American, 0.0027%; no homozygotes.

Submissions (3):

Labcorp Genetics (formerly Invitae), Labcorp
Classification: Likely benign. Last evaluated: 2022-07-26. Review status: criteria provided, single submitter. Criteria: Invitae Variant Classification Sherloc (09022015). Collection method: clinical testing. Allele origin: germline.

Ambry Genetics
Classification: Likely benign for Inborn genetic diseases. Last evaluated: 2018-05-01. Review status: criteria provided, single submitter. Criteria: Ambry Variant Classification Scheme 2023. Collection method: clinical testing. Allele origin: germline.

GeneDx
Classification: Likely benign. Last evaluated: 2016-03-09. Review status: criteria provided, single submitter. Criteria: GeneDx Variant Classification (06012015). Collection method: clinical testing. Allele origin: germline. Affected: yes.
Comment: This variant is considered likely benign or benign based on one or more of the following criteria: it is a conservative change, it occurs at a poorly conserved position in the protein, it is predicted to be benign by multiple in silico algorithms, and/or has population frequency not consistent with disease.